The following is an entry in ClinVar:

NM_018834.6(MATR3):c.661G>T (p.Asp221Tyr)

Gene: MATR3 (matrin 3; plus strand). Cytogenetic location: 5q31.2.
Variant type: single nucleotide variant.
Coding change: c.661G>T on transcript NM_018834.6 (MANE Select); coding-DNA position 661, G replaced by T.
Protein change: p.Asp221Tyr; replaces aspartic acid 221 with tyrosine.
Molecular consequence: missense variant. On other transcripts: intron variant (11).
Genome position (GRCh38, 1-based): chr5:139,308,076, G>T. VCF-style: chr5-139308076-G-T. GRCh37 (hg19) VCF-style: chr5-138643765-G-T.
Other names: c.661G>T, p.Asp221Tyr (NM_001194954.2, NM_001194955.2, NM_001400441.1 and 16 more transcripts); c.52-6599G>T (NM_001400459.1); c.-102-6599G>T (NM_001400463.1, NM_001400460.1, NM_001282278.2 and 3 more transcripts); c.-40-7621G>T (NM_001400462.1, NM_001400467.1); c.13-6599G>T (NM_001400461.1); c.49-6599G>T (NM_001194956.2); short protein forms D221Y.
Identifiers: ClinVar variation 4741648 (VCV004741648.1).

ClinVar aggregate classification (germline): Uncertain significance (1 of 4 stars; one submission).

Conditions:
Amyotrophic lateral sclerosis type 21. Also called: MYOPATHY, DISTAL, 2; VOCAL CORD AND PHARYNGEAL DYSFUNCTION WITH DISTAL MYOPATHY. Identifiers: Orphanet 600, Orphanet 803, MedGen C3807521, MONDO:0011632, OMIM 606070.

Submission:

Labcorp Genetics (formerly Invitae), Labcorp
Classification: Uncertain significance for Amyotrophic lateral sclerosis type 21. Last evaluated: 2025-04-09. Review status: criteria provided, single submitter. Criteria: Invitae Variant Classification Sherloc (09022015). Collection method: clinical testing. Allele origin: germline.
Comment: This sequence change replaces aspartic acid, which is acidic and polar, with tyrosine, which is neutral and polar, at codon 221 of the MATR3 protein (p.Asp221Tyr). This variant is not present in population databases (gnomAD no frequency). This variant has not been reported in the literature in individuals affected with MATR3-related conditions. Invitae Evidence Modeling of protein sequence and biophysical properties (such as structural, functional, and spatial information, amino acid conservation, physicochemical variation, residue mobility, and thermodynamic stability) indicates that this missense variant is not expected to disrupt MATR3 protein function with a negative predictive value of 80%. In summary, the available evidence is currently insufficient to determine the role of this variant in disease. Therefore, it has been classified as a Variant of Uncertain Significance.